The following is an entry in ClinVar:

ClinVar aggregate classification (germline): Uncertain significance. Review status: criteria provided, multiple submitters, no conflicts (2 of 4 stars). 2 submissions from 2 submitters: Uncertain significance (2). Last evaluated 2025-04-09.

Conditions:
Hypertrophic cardiomyopathy. Also called: HYPERTROPHIC MYOCARDIOPATHY. Identifiers: Orphanet 217569, MedGen C0007194, MeSH D002312, MONDO:0005045, HP:0001639.

Allele frequency attached by ClinVar (database versions not stated): TOPMed 0.00002.

Submissions (2):

Labcorp Genetics (formerly Invitae), Labcorp
Classification: Uncertain significance for Hypertrophic cardiomyopathy. Last evaluated: 2025-04-09. Review status: criteria provided, single submitter. Criteria: Invitae Variant Classification Sherloc (09022015). Collection method: clinical testing. Allele origin: germline.
Comment: This sequence change replaces histidine, which is basic and polar, with tyrosine, which is neutral and polar, at codon 1196 of the MYH7 protein (p.His1196Tyr). This variant is not present in population databases (gnomAD no frequency). This missense change has been observed in individual(s) with left ventricular noncompaction (PMID: 30471092). ClinVar contains an entry for this variant (Variation ID: 2419048). Invitae Evidence Modeling of protein sequence and biophysical properties (such as structural, functional, and spatial information, amino acid conservation, physicochemical variation, residue mobility, and thermodynamic stability) indicates that this missense variant is expected to disrupt MYH7 protein function with a positive predictive value of 95%. In summary, the available evidence is currently insufficient to determine the role of this variant in disease. Therefore, it has been classified as a Variant of Uncertain Significance.

GeneDx
Classification: Uncertain significance. Last evaluated: 2024-07-25. Review status: criteria provided, single submitter. Criteria: GeneDx Variant Classification Process June 2021. Collection method: clinical testing. Allele origin: germline. Affected: yes.
Comment: Not observed at significant frequency in large population cohorts (gnomAD); In silico analysis supports that this missense variant has a deleterious effect on protein structure/function; This variant is associated with the following publications: (PMID: 30471092, 34088380)

Literature cited by the submitters: PubMed 30471092 (cited by Labcorp Genetics (formerly Invitae), Labcorp).

NM_000257.4(MYH7):c.3586C>T (p.His1196Tyr)

Gene: MYH7 (myosin heavy chain 7; minus strand). Cytogenetic location: 14q11.2.
Variant type: single nucleotide variant.
Coding change: c.3586C>T on transcript NM_000257.4 (MANE Select); coding-DNA position 3586, C replaced by T.
Protein change: p.His1196Tyr; replaces histidine 1196 with tyrosine.
Molecular consequence: missense variant.
Genome position (GRCh38, 1-based): chr14:23,419,985, G>A on the plus strand (C>T on the coding strand, the complement: MYH7 is on the minus strand). VCF-style: chr14-23419985-G-A. GRCh37 (hg19) VCF-style: chr14-23889194-G-A.
Other names: c.3586C>T, p.His1196Tyr (NM_001407004.1); short protein forms H1196Y.
Identifiers: ClinVar variation 2419048 (VCV002419048.7), dbSNP rs1431515973, ClinGen allele CA389043383.
Genomic context (GRCh38, chr14:23,419,985, plus strand): 5'-TCTGCTTCACCCGCTGCAGGTTGTCGATCTGCTCGCCCAGCTCGGCCACGCTGTCGGCGT[G>A]CTTCTTGCGCAGGGCCGCGGCAGTGGCCTCGTGCTGCAGCGTGGCCTCCTCCAGGTCCCG-3'
Protein context (NP_000248.2, residues 1186-1206): EATAAALRKK[His1196Tyr]ADSVAELGEQ